The following is an entry in ClinVar:

NM_001164508.2(NEB):c.12433G>T (p.Glu4145Ter)

Gene: NEB (nebulin; minus strand). Cytogenetic location: 2q23.3.
Variant type: single nucleotide variant.
Coding change: c.12433G>T on transcript NM_001164508.2 (MANE Select); coding-DNA position 12433, G replaced by T.
Protein change: p.Glu4145Ter; replaces glutamic acid 4145 with a stop codon.
Molecular consequence: nonsense. On other transcripts: intron variant (1).
Genome position (GRCh38, 1-based): chr2:151,608,574, C>A on the plus strand (G>T on the coding strand, the complement: NEB is on the minus strand). VCF-style: chr2-151608574-C-A. GRCh37 (hg19) VCF-style: chr2-152465088-C-A.
Other names: c.12433G>T, p.Glu4145Ter (NM_001164507.2, NM_001271208.2); c.11601+1235G>T (NM_004543.5); short protein forms E4145*.
Identifiers: ClinVar variation 961052 (VCV000961052.9), dbSNP rs2097773972, ClinGen allele CA348775917.
Genomic context (GRCh38, chr2:151,608,574, plus strand): 5'-CTGGAGTGTCGACAATGCTGGTGAATGACAAAGCTTCTGGACGTGTCCTATAGAGTCTTT[C>A]ATTCACGAGGTCTTGAGCAACCTTCACTCTGTTCATTTCCACTGAGCCTTCTGGCATCCA-3'

ClinVar aggregate classification (germline): Pathogenic (1 of 4 stars; one submission).

Conditions:
Nemaline myopathy 2 (NEM2). Also called: Nemaline myopathy 2, autosomal recessive. Identifiers: MedGen C1850569, MONDO:0009725, OMIM 256030.

Submission:

Labcorp Genetics (formerly Invitae), Labcorp
Classification: Pathogenic for Nemaline myopathy 2. Last evaluated: 2019-11-05. Review status: criteria provided, single submitter. Criteria: Invitae Variant Classification Sherloc (09022015). Collection method: clinical testing. Allele origin: germline.
Comment: For these reasons, this variant has been classified as Pathogenic. This sequence change creates a premature translational stop signal (p.Glu4145*) in the NEB gene. This variant occurs in a region of NEB (Exons 82-105) consisting of three highly homologous 8-exon repeat units (exons 82-89, exons 90-97, exons 98-105). Sequence variants in this region can be detected, but this assay cannot determine which of the three repeat units is affected, and zygosity is often ambiguous. All variants in this region are reported relative to the exon 82-89 repeat. Loss-of-function variants in NEB are known to be pathogenic (PMID: 25205138). The frequency data for this variant in the population databases (ExAC) is considered unreliable due to the presence of homologous sequence, such as pseudogenes or paralogs, in the genome. This variant has not been reported in the literature in individuals with NEB-related conditions.

Literature cited by the submitters: PubMed 25205138.